The following is an entry in ClinVar:

NM_152618.3(BBS12):c.1315G>A (p.Gly439Ser)

Gene: BBS12 (Bardet-Biedl syndrome 12; plus strand). Cytogenetic location: 4q27.
Variant type: single nucleotide variant.
Coding change: c.1315G>A on transcript NM_152618.3 (MANE Select); coding-DNA position 1315, G replaced by A.
Protein change: p.Gly439Ser; replaces glycine 439 with serine.
Molecular consequence: missense variant.
Genome position (GRCh38, 1-based): chr4:122,743,207, G>A. VCF-style: chr4-122743207-G-A. GRCh37 (hg19) VCF-style: chr4-123664362-G-A.
Other names: c.1315G>A, p.Gly439Ser (NM_001178007.2); short protein forms G439S.
Identifiers: ClinVar variation 4991438 (VCV004991438.1).

ClinVar aggregate classification (germline): Uncertain significance (1 of 4 stars; one submission).

Conditions:
BBS12-related disorder. Also called: BBS12-related condition.

Submission:

PreventionGenetics, part of Exact Sciences
Classification: Uncertain significance for BBS12-related condition. Last evaluated: 2025-10-22. Review status: criteria provided, single submitter. Criteria: ACMG Guidelines, 2015. Collection method: clinical testing. Allele origin: germline.
Comment: The BBS12 c.1315G>A variant is predicted to result in the amino acid substitution p.Gly439Ser. To our knowledge, this variant has not been reported in the literature or in a large population database (gnomAD), indicating this variant is rare. At this time, the clinical significance of this variant is uncertain due to the absence of conclusive functional and genetic evidence.